The following is an entry in ClinVar:

ClinVar aggregate classification (germline): Uncertain significance (1 of 4 stars; one submission).

Submission:

GeneDx
Classification: Uncertain significance. Last evaluated: 2022-08-16. Review status: criteria provided, single submitter. Criteria: GeneDx Variant Classification Process June 2021. Collection method: clinical testing. Allele origin: germline. Affected: yes.
Comment: Not observed at significant frequency in large population cohorts (gnomAD); In silico analysis supports that this missense variant has a deleterious effect on protein structure/function; Has not been previously published as pathogenic or benign to our knowledge

NM_005862.3(STAG1):c.500C>G (p.Pro167Arg)

Gene: STAG1 (STAG1 cohesin complex component; minus strand). Cytogenetic location: 3q22.3.
Variant type: single nucleotide variant.
Coding change: c.500C>G on transcript NM_005862.3 (MANE Select); coding-DNA position 500, C replaced by G.
Protein change: p.Pro167Arg; replaces proline 167 with arginine.
Molecular consequence: missense variant.
Genome position (GRCh38, 1-based): chr3:136,521,389, G>C on the plus strand (C>G on the coding strand, the complement: STAG1 is on the minus strand). VCF-style: chr3-136521389-G-C. GRCh37 (hg19) VCF-style: chr3-136240231-G-C.
Other names: short protein forms P167R.
Identifiers: ClinVar variation 2430814 (VCV002430814.1), dbSNP rs2530885763, ClinGen allele CA354650435.
Genomic context (GRCh38, chr3:136,521,389, plus strand): 5'-CGAATCAGGACTCCAATAAATTCACAAAAGTTTGAACGAAATTTTTTCCACTGAGGTCCA[G>C]GCATGGTAAGAGGATAATCACCACTGTCCTAAAAAACAGAAAAAGAACATATTAAGTATG-3'
Protein context (NP_005853.2, residues 157-177): EDSGDYPLTM[Pro167Arg]GPQWKKFRSN